The following is an entry in ClinVar:

NM_018076.5(ODAD2):c.3021+7232TTAT[11]

Gene: ODAD2 (outer dynein arm docking complex subunit 2; minus strand). Cytogenetic location: 10p12.1.
Variant type: Microsatellite.
Coding change: c.3021+7232TTAT[11] on transcript NM_018076.5 (MANE Select); 11 copies in a row of the 4-base unit TTAT starting at c.3021+7232; the reference has seven copies in a row; four copies, 16 bases duplicated.
Molecular consequence: intron variant.
Genome position (GRCh38, 1-based): chr10:27,853,366-27,853,381, ATAAATAAATAAATAA duplicated on the plus strand (TTATTTATTTATTTAT on the coding strand, the reverse complement: ODAD2 is on the minus strand); duplicating any 16 consecutive bases within chr10:27,853,366-27,853,394 gives the same sequence; the position shown is the placement nearest the transcript's 3' end. VCF-style (leftmost placement, unchanged base first): chr10-27853365-T-TATAAATAAATAAATAA. GRCh37 (hg19) VCF-style: chr10-28142294-T-TATAAATAAATAAATAA.
Other names: c.3021+7232TTAT[11] (NM_001290020.2); c.2097+7232TTAT[11] (NM_001312689.2); c.1597-30TTAT[11] (NM_001290021.2).
Identifiers: ClinVar variation 3056408 (VCV003056408.2), dbSNP rs143299831, ClinGen allele CA5453020.

ClinVar aggregate classification (germline): Benign (0 of 4 stars; one submission).

Conditions:
ODAD2-related disorder. Also called: ODAD2-related condition.

Submission:

PreventionGenetics, part of Exact Sciences
Classification: Benign for ODAD2-related condition. Last evaluated: 2019-06-20. Review status: no assertion criteria provided. Collection method: clinical testing. Allele origin: germline.
Comment: This variant is classified as benign based on ACMG/AMP sequence variant interpretation guidelines (Richards et al. 2015 PMID: 25741868, with internal and published modifications).